The following is an entry in ClinVar:

NM_005359.6(SMAD4):c.560G>C (p.Ser187Thr)

Gene: SMAD4 (SMAD family member 4; plus strand). Cytogenetic location: 18q21.2.
Variant type: single nucleotide variant.
Coding change: c.560G>C on transcript NM_005359.6 (MANE Select); coding-DNA position 560, G replaced by C.
Protein change: p.Ser187Thr; replaces serine 187 with threonine.
Molecular consequence: missense variant.
Genome position (GRCh38, 1-based): chr18:51,054,886, G>C. VCF-style: chr18-51054886-G-C. GRCh37 (hg19) VCF-style: chr18-48581256-G-C.
Other names: short protein forms S187T.
Identifiers: ClinVar variation 845028 (VCV000845028.9), dbSNP rs927620013, ClinGen allele CA402460968.

ClinVar aggregate classification (germline): Uncertain significance (1 of 4 stars; one submission).

Conditions:
Juvenile polyposis syndrome (JPS). Identifiers: Orphanet 2929, MedGen C0345893, MONDO:0017380, OMIM 174900.

Submission:

Labcorp Genetics (formerly Invitae), Labcorp
Classification: Uncertain significance for Juvenile polyposis syndrome. Last evaluated: 2019-01-01. Review status: criteria provided, single submitter. Criteria: Invitae Variant Classification Sherloc (09022015). Collection method: clinical testing. Allele origin: germline.
Comment: In summary, the available evidence is currently insufficient to determine the role of this variant in disease. Therefore, it has been classified as a Variant of Uncertain Significance. Algorithms developed to predict the effect of missense changes on protein structure and function (SIFT, PolyPhen-2, Align-GVGD) all suggest that this variant is likely to be tolerated, but these predictions have not been confirmed by published functional studies and their clinical significance is uncertain. This variant has not been reported in the literature in individuals with SMAD4-related conditions. This variant is not present in population databases (ExAC no frequency). This sequence change replaces serine with threonine at codon 187 of the SMAD4 protein (p.Ser187Thr). The serine residue is moderately conserved and there is a small physicochemical difference between serine and threonine.